The following is an entry in ClinVar:

ClinVar aggregate classification (germline): Uncertain significance (1 of 4 stars; one submission).

Conditions:
Periodontitis, aggressive. Identifiers: MedGen C0031106, MONDO:0980757.
Haim-Munk syndrome (HMS). Also called: COCHIN JEWISH DISORDER; KERATOSIS PALMOPLANTARIS WITH PERIODONTOPATHIA AND ONYCHOGRYPOSIS. Identifiers: Orphanet 2342, MedGen C1855627, MONDO:0009491, OMIM 245010.
Papillon-Lefèvre syndrome (PALS). Also called: KERATOSIS PALMOPLANTARIS WITH PERIODONTOPATHIA; Papillon-Lefevre Disease. Identifiers: Orphanet 678, MedGen C0030360, MONDO:0009490, OMIM 245000.

Allele frequency attached by ClinVar (database versions not stated): gnomAD exomes 0.00001; TOPMed below 0.00001; ExAC 0.00001; gnomAD 0.00001.
gnomAD v4.1: 12 of 1,612,846 alleles (0.00074%); highest among the groups gnomAD compares: Admixed American, 0.0017%; no homozygotes.

Submission:

Labcorp Genetics (formerly Invitae), Labcorp
Classification: Uncertain significance for Haim-Munk syndrome; Periodontitis, aggressive; Papillon-Lefèvre syndrome. Last evaluated: 2024-11-04. Review status: criteria provided, single submitter. Criteria: Invitae Variant Classification Sherloc (09022015). Collection method: clinical testing. Allele origin: germline.
Comment: This sequence change replaces lysine, which is basic and polar, with arginine, which is basic and polar, at codon 100 of the CTSC protein (p.Lys100Arg). This variant is present in population databases (rs779944464, gnomAD 0.0009%). This variant has not been reported in the literature in individuals affected with CTSC-related conditions. ClinVar contains an entry for this variant (Variation ID: 466227). Invitae Evidence Modeling of protein sequence and biophysical properties (such as structural, functional, and spatial information, amino acid conservation, physicochemical variation, residue mobility, and thermodynamic stability) indicates that this missense variant is not expected to disrupt CTSC protein function with a negative predictive value of 80%. In summary, the available evidence is currently insufficient to determine the role of this variant in disease. Therefore, it has been classified as a Variant of Uncertain Significance.

NM_001814.6(CTSC):c.299A>G (p.Lys100Arg)

Gene: CTSC (cathepsin C; minus strand). Cytogenetic location: 11q14.2.
Variant type: single nucleotide variant.
Coding change: c.299A>G on transcript NM_001814.6 (MANE Select); coding-DNA position 299, A replaced by G.
Protein change: p.Lys100Arg; replaces lysine 100 with arginine.
Molecular consequence: missense variant.
Genome position (GRCh38, 1-based): chr11:88,334,956, T>C on the plus strand (A>G on the coding strand, the complement: CTSC is on the minus strand). VCF-style: chr11-88334956-T-C. GRCh37 (hg19) VCF-style: chr11-88068124-T-C.
Other names: c.299A>G, p.Lys100Arg (NM_001114173.3, NM_148170.5); short protein forms K100R.
Identifiers: ClinVar variation 466227 (VCV000466227.11), dbSNP rs779944464, ClinGen allele CA6220075.